The following is an entry in ClinVar:

ClinVar aggregate classification (germline): Uncertain significance (1 of 4 stars; one submission).

Allele frequency attached by ClinVar (database versions not stated): ExAC 0.00001.
gnomAD v4.1: 13 of 1,611,160 alleles (0.00081%); highest among the groups gnomAD compares: South Asian, 0.0022%; no homozygotes.

Submission:

Labcorp Genetics (formerly Invitae), Labcorp
Classification: Uncertain significance. Last evaluated: 2023-12-19. Review status: criteria provided, single submitter. Criteria: Invitae Variant Classification Sherloc (09022015). Collection method: clinical testing. Allele origin: germline.
Comment: This sequence change replaces alanine, which is neutral and non-polar, with valine, which is neutral and non-polar, at codon 161 of the APOA4 protein (p.Ala161Val). This variant is present in population databases (rs773002058, gnomAD 0.003%). This variant has not been reported in the literature in individuals affected with APOA4-related conditions. Advanced modeling of protein sequence and biophysical properties (such as structural, functional, and spatial information, amino acid conservation, physicochemical variation, residue mobility, and thermodynamic stability) performed at Invitae indicates that this missense variant is not expected to disrupt APOA4 protein function with a negative predictive value of 80%. In summary, the available evidence is currently insufficient to determine the role of this variant in disease. Therefore, it has been classified as a Variant of Uncertain Significance.

NM_000482.4(APOA4):c.482C>T (p.Ala161Val)

Gene: APOA4 (apolipoprotein A4; minus strand). Cytogenetic location: 11q23.3.
Variant type: single nucleotide variant.
Coding change: c.482C>T on transcript NM_000482.4 (MANE Select); coding-DNA position 482, C replaced by T.
Protein change: p.Ala161Val; replaces alanine 161 with valine.
Molecular consequence: missense variant.
Genome position (GRCh38, 1-based): chr11:116,821,576, G>A on the plus strand (C>T on the coding strand, the complement: APOA4 is on the minus strand). VCF-style: chr11-116821576-G-A. GRCh37 (hg19) VCF-style: chr11-116692292-G-A.
Other names: short protein forms A161V.
Identifiers: ClinVar variation 2868221 (VCV002868221.3), dbSNP rs773002058, ClinGen allele CA6289407.